The following is an entry in ClinVar:

NM_006267.5(RANBP2):c.7961C>A (p.Pro2654His)

Gene: RANBP2 (RAN binding protein 2; plus strand). Cytogenetic location: 2q13.
Variant type: single nucleotide variant.
Coding change: c.7961C>A on transcript NM_006267.5 (MANE Select); coding-DNA position 7961, C replaced by A.
Protein change: p.Pro2654His; replaces proline 2654 with histidine.
Molecular consequence: missense variant.
Genome position (GRCh38, 1-based): chr2:108,771,812, C>A. VCF-style: chr2-108771812-C-A. GRCh37 (hg19) VCF-style: chr2-109388268-C-A.
Other names: c.8039C>A, p.Pro2680His (NM_001415871.1); c.7958C>A, p.Pro2653His (NM_001415872.1); c.7961C>A, p.Pro2654His (NM_001415873.1); short protein forms P2653H, P2654H, P2680H.
Identifiers: ClinVar variation 2499829 (VCV002499829.1), dbSNP rs2467675563, ClinGen allele CA348082294.

ClinVar aggregate classification (germline): Uncertain significance (1 of 4 stars; one submission).

Submission:

GeneDx
Classification: Uncertain significance. Last evaluated: 2022-10-18. Review status: criteria provided, single submitter. Criteria: GeneDx Variant Classification Process June 2021. Collection method: clinical testing. Allele origin: germline. Affected: yes.
Comment: Not observed at significant frequency in large population cohorts (gnomAD); In silico analysis supports that this missense variant has a deleterious effect on protein structure/function; Has not been previously published as pathogenic or benign to our knowledge